The following is an entry in ClinVar:

NM_030928.4(CDT1):c.1097G>A (p.Arg366Gln)

Gene: CDT1 (chromatin licensing and DNA replication factor 1; plus strand). Cytogenetic location: 16q24.3.
Variant type: single nucleotide variant.
Coding change: c.1097G>A on transcript NM_030928.4 (MANE Select); coding-DNA position 1097, G replaced by A.
Protein change: p.Arg366Gln; replaces arginine 366 with glutamine.
Molecular consequence: missense variant.
Genome position (GRCh38, 1-based): chr16:88,806,649, G>A. VCF-style: chr16-88806649-G-A. GRCh37 (hg19) VCF-style: chr16-88873057-G-A.
Other names: short protein forms R366Q.
Identifiers: ClinVar variation 1302515 (VCV001302515.4), dbSNP rs372945501, ClinGen allele CA8233975.

ClinVar aggregate classification (germline): Uncertain significance. Review status: criteria provided, multiple submitters, no conflicts (2 of 4 stars). 2 submissions from 2 submitters: Uncertain significance (2). Last evaluated 2022-12-27.

Conditions:
Inborn genetic diseases. Identifiers: MedGen C0950123, MeSH D030342.

Allele frequency attached by ClinVar (database versions not stated): ExAC 0.00001; gnomAD 0.00001; gnomAD exomes 0.00003; TOPMed 0.00003; ESP Exome Variant Server 0.00008.

Submissions (2):

Ambry Genetics
Classification: Uncertain significance for Inborn genetic diseases. Last evaluated: 2022-12-27. Review status: criteria provided, single submitter. Criteria: Ambry Variant Classification Scheme 2023. Collection method: clinical testing. Allele origin: germline.

GeneDx
Classification: Uncertain significance. Last evaluated: 2019-07-26. Review status: criteria provided, single submitter. Criteria: GeneDx Variant Classification Process June 2021. Collection method: clinical testing. Allele origin: germline. Affected: yes.
Comment: In silico analysis, which includes protein predictors and evolutionary conservation, supports that this variant does not alter protein structure/function; Has not been previously published as pathogenic or benign to our knowledge